The following is an entry in ClinVar:

NM_000127.3(EXT1):c.1016G>A (p.Gly339Asp)

Gene: EXT1 (exostosin glycosyltransferase 1; minus strand). Cytogenetic location: 8q24.11.
Variant type: single nucleotide variant.
Coding change: c.1016G>A on transcript NM_000127.3 (MANE Select); coding-DNA position 1016, G replaced by A.
Protein change: p.Gly339Asp; replaces glycine 339 with aspartic acid.
Molecular consequence: missense variant.
Genome position (GRCh38, 1-based): chr8:117,837,148, C>T on the plus strand (G>A on the coding strand, the complement: EXT1 is on the minus strand). VCF-style: chr8-117837148-C-T. GRCh37 (hg19) VCF-style: chr8-118849387-C-T.
Other names: short protein forms G339D.
Identifiers: ClinVar variation 2498 (VCV000002498.41), dbSNP rs119103288, ClinGen allele CA252310.

ClinVar aggregate classification (germline): Pathogenic. Review status: criteria provided, multiple submitters, no conflicts (2 of 4 stars). 3 submissions from 3 submitters: Pathogenic (2). 1 of the submissions does not count toward it. Last evaluated 2023-06-01.

Conditions:
Exostoses, multiple, type 1 (EXT1). Also called: Hereditary Multiple Osteochondromatosis, Type I; EXOSTOSES, MULTIPLE, TYPE I. Identifiers: MedGen CN263289, MONDO:0007585, OMIM 133700.
Multiple congenital exostosis (EXT). Also called: MULTIPLE CARTILAGINOUS EXOSTOSES; Multiple exostoses; Hereditary multiple exostoses; Hereditary multiple exostosis; Hereditary multiple osteochondromas; Multiple osteochondromas. Identifiers: Orphanet 321, MedGen C0015306, MONDO:0005508, HP:0002762.

Submissions (3):

CeGaT Center for Human Genetics Tuebingen
Classification: Pathogenic. Last evaluated: 2023-06-01. Review status: criteria provided, single submitter. Criteria: CeGaT Center For Human Genetics Tuebingen Variant Classification Criteria Version 2. Collection method: clinical testing. Allele origin: germline. Affected: yes. Observed: 1 variant allele.
Comment: EXT1: PM1, PM2, PM5, PS4:Moderate, PP1, PP3, PP4, PS3:Supporting

Labcorp Genetics (formerly Invitae), Labcorp
Classification: Pathogenic for Multiple congenital exostosis. Last evaluated: 2020-11-25. Review status: criteria provided, single submitter. Criteria: Invitae Variant Classification Sherloc (09022015). Collection method: clinical testing. Allele origin: germline.
Comment: For these reasons, this variant has been classified as Pathogenic. This sequence change replaces glycine with aspartic acid at codon 339 of the EXT1 protein (p.Gly339Asp). The glycine residue is highly conserved and there is a moderate physicochemical difference between glycine and aspartic acid. This variant is not present in population databases (ExAC no frequency). This variant has been observed in several individuals affected with hereditary multiple osteochondromatosis (PMID: 9326317, 23439489, Invitae). ClinVar contains an entry for this variant (Variation ID: 2498). Experimental studies have shown that this missense change abolishes heparan sulfate biosynthesis and disrupts the activity of the EXT1/EXT2 protein complex (PMID: 10639137, 9620772).

OMIM
Classification: Pathogenic for EXOSTOSES, MULTIPLE, TYPE I. Last evaluated: 1998-06-01. Review status: no assertion criteria provided. Collection method: literature only. Allele origin: germline. Not counted in ClinVar's aggregate classification.

Literature cited by the submitters: PubMed 9326317 (cited by Labcorp Genetics (formerly Invitae), Labcorp and OMIM); PubMed 23439489 (cited by Labcorp Genetics (formerly Invitae), Labcorp); PubMed 10639137 (cited by Labcorp Genetics (formerly Invitae), Labcorp); PubMed 9620772 (cited by Labcorp Genetics (formerly Invitae), Labcorp and OMIM).